The following is an entry in ClinVar:

ClinVar aggregate classification (germline): Benign/Likely benign. Review status: criteria provided, multiple submitters, no conflicts (2 of 4 stars). 4 submissions from 4 submitters: Benign (1); Likely benign (3). Last evaluated 2025-09-09.

Conditions:
Hereditary cancer-predisposing syndrome. Also called: Tumor predisposition; Neoplastic Syndromes, Hereditary; Hereditary Cancer Syndrome; Hereditary neoplastic syndrome. Identifiers: Orphanet 140162, MedGen C0027672, MeSH D009386, MONDO:0015356.
Familial cancer of breast. Also called: BREAST CANCER, FAMILIAL; Hereditary breast cancer; hereditary breast carcinoma. Identifiers: Orphanet 227535, MedGen C0346153, MONDO:0016419, OMIM 114480. Disease mechanism: loss of function.
Ataxia-telangiectasia syndrome (AT). Also called: Ataxia-telangiectasia; LOUIS-BAR SYNDROME; Ataxia-telangiectasia, complementation group D; AT, COMPLEMENTATION GROUP C; ATAXIA-TELANGIECTASIA, COMPLEMENTATION GROUP A; ATAXIA-TELANGIECTASIA, FRESNO VARIANT. Identifiers: Orphanet 100, MedGen C0004135, MONDO:0008840, OMIM 208900.

Submissions (4):

Labcorp Genetics (formerly Invitae), Labcorp
Classification: Likely benign for Ataxia-telangiectasia syndrome. Last evaluated: 2025-09-09. Review status: criteria provided, single submitter. Criteria: Invitae Variant Classification Sherloc (09022015). Collection method: clinical testing. Allele origin: germline.

Myriad Genetics, Inc.
Classification: Benign for Familial cancer of breast. Last evaluated: 2024-06-03. Review status: criteria provided, single submitter. Criteria: Myriad Autosomal Dominant, Autosomal Recessive and X-Linked Classification Criteria (2023). Collection method: clinical testing. Allele origin: unknown.
Comment: This variant is considered benign. This variant is a silent/synonymous amino acid change and it is not expected to impact splicing.

Color Diagnostics, LLC DBA Color Health
Classification: Likely benign for Hereditary cancer-predisposing syndrome. Last evaluated: 2021-07-15. Review status: criteria provided, single submitter. Criteria: ACMG Guidelines, 2015. Collection method: clinical testing. Allele origin: germline.

Breakthrough Genomics
Classification: Likely benign. Review status: criteria provided, single submitter. Criteria: ACMG Guidelines, 2015. Collection method: not provided. Allele origin: germline. Inheritance: Autosomal recessive inheritance. Affected: yes.

NM_000051.4(ATM):c.6105A>T (p.Thr2035=)

Genes: ATM (ATM serine/threonine kinase; plus strand), C11orf65 (chromosome 11 open reading frame 65; minus strand). Cytogenetic location: 11q22.3.
Variant type: single nucleotide variant.
Coding change: c.6105A>T on transcript NM_000051.4 (MANE Select); coding-DNA position 6105, A replaced by T.
Protein change: p.Thr2035=; no amino-acid change (threonine 2035 retained).
Molecular consequence: synonymous variant. On other transcripts: intron variant (2).
Genome position (GRCh38, 1-based): chr11:108,316,020, A>T. VCF-style: chr11-108316020-A-T. GRCh37 (hg19) VCF-style: chr11-108186747-A-T.
Other names: c.6105A>T, p.Thr2035= (NM_001351834.2); c.641-6949T>A (NM_001330368.2); c.*39-6949T>A (NM_001351110.2).
Identifiers: ClinVar variation 1332006 (VCV001332006.9), dbSNP rs1555113708, ClinGen allele CA476675634.